The following is an entry in ClinVar:

NM_004006.3(DMD):c.4336G>A (p.Val1446Ile)

Gene: DMD (dystrophin; minus strand). Cytogenetic location: Xp21.1.
Variant type: single nucleotide variant.
Coding change: c.4336G>A on transcript NM_004006.3 (MANE Select); coding-DNA position 4336, G replaced by A.
Protein change: p.Val1446Ile; replaces valine 1446 with isoleucine.
Molecular consequence: missense variant.
Genome position (GRCh38, 1-based): chrX:32,390,079, C>T on the plus strand (G>A on the coding strand, the complement: DMD is on the minus strand). VCF-style: chrX-32390079-C-T. GRCh37 (hg19) VCF-style: chrX-32408196-C-T.
Other names: c.4312G>A, p.Val1438Ile (NM_000109.4); c.4324G>A, p.Val1442Ile (NM_004009.3); c.3967G>A, p.Val1323Ile (NM_004010.3); c.313G>A, p.Val105Ile (NM_004011.4); c.304G>A, p.Val102Ile (NM_004012.4); short protein forms V105I, V1323I, V1438I, V1446I, V102I, V1442I.
Identifiers: ClinVar variation 949255 (VCV000949255.6), dbSNP rs756852420, ClinGen allele CA10378985.

ClinVar aggregate classification (germline): Uncertain significance. Review status: criteria provided, single submitter (1 of 4 stars). 2 submissions from 2 submitters: Uncertain significance (1). 1 of the submissions does not count toward it. Last evaluated 2022-03-18.

Conditions:
Duchenne muscular dystrophy (DMD). Also called: MUSCULAR DYSTROPHY, PSEUDOHYPERTROPHIC PROGRESSIVE, DUCHENNE TYPE; Duchenne Muscular Dystrophy (DMD). Identifiers: Orphanet 98896, MedGen C0013264, MONDO:0010679, OMIM 310200.
Dystrophin deficiency.
Becker muscular dystrophy (BMD). Also called: MUSCULAR DYSTROPHY, PSEUDOHYPERTROPHIC PROGRESSIVE, BECKER TYPE; Becker Muscular Dystrophy (BMD). Identifiers: Orphanet 98895, MedGen C0917713, MONDO:0010311, OMIM 300376.
Cardiomyopathy (CMYO). Also called: Cardiomyopathies. Identifiers: Orphanet 167848, MedGen C0878544, MONDO:0004994, HP:0001638. Inheritance: Various modes of inheritance.

Allele frequency attached by ClinVar (database versions not stated): ExAC 0.00001; gnomAD exomes 0.00001.
gnomAD v4.1: 5 of 1,204,200 alleles (0.00042%); highest among the groups gnomAD compares: Non-Finnish European, 0.00056%; no homozygotes.

Submissions (2):

Labcorp Genetics (formerly Invitae), Labcorp
Classification: Uncertain significance for Duchenne muscular dystrophy. Last evaluated: 2022-03-18. Review status: criteria provided, single submitter. Criteria: Invitae Variant Classification Sherloc (09022015). Collection method: clinical testing. Allele origin: germline.
Comment: This sequence change replaces valine, which is neutral and non-polar, with isoleucine, which is neutral and non-polar, at codon 1446 of the DMD protein (p.Val1446Ile). This variant is present in population databases (rs756852420, gnomAD 0.001%). This variant has not been reported in the literature in individuals affected with DMD-related conditions. ClinVar contains an entry for this variant (Variation ID: 949255). Algorithms developed to predict the effect of missense changes on protein structure and function output the following: SIFT: "Tolerated"; PolyPhen-2: "Benign"; Align-GVGD: "Class C0". The isoleucine amino acid residue is found in multiple mammalian species, which suggests that this missense change does not adversely affect protein function. In summary, the available evidence is currently insufficient to determine the role of this variant in disease. Therefore, it has been classified as a Variant of Uncertain Significance.

Natera, Inc.
Classification: Uncertain significance for Becker muscular dystrophy; Cardiomyopathy; Duchenne muscular dystrophy; Dystrophin deficiency. Last evaluated: 2018-10-11. Review status: no assertion criteria provided. Collection method: clinical testing. Allele origin: germline. Not counted in ClinVar's aggregate classification.